The following is an entry in ClinVar:

ClinVar aggregate classification (germline): Benign. Review status: criteria provided, multiple submitters, no conflicts (2 of 4 stars). 3 submissions from 3 submitters: Benign (3). Last evaluated 2018-08-26.

Conditions:
Early-onset generalized limb-onset dystonia. Also called: DYSTONIA MUSCULORUM DEFORMANS 1; Oppenheim's dystonia; Early onset torsion dystonia; DYT-TOR1A; Dystonia-1, torsion; Dystonia 1, modifier of. Identifiers: Orphanet 256, MedGen C1851945, MONDO:0007492, OMIM 128100.

Allele frequency attached by ClinVar (database versions not stated): 1000 Genomes Project 0.06809; 1000 Genomes Project 30x 0.07105; gnomAD exomes 0.07876; gnomAD 0.08113 and 0.08350; TOPMed 0.08564.
gnomAD v4.1: 52,667 of 657,396 alleles (8%); highest among the groups gnomAD compares: Middle Eastern, 12%; 2,431 homozygotes.

Submissions (3):

GeneDx
Classification: Benign. Last evaluated: 2018-08-26. Review status: criteria provided, single submitter. Criteria: GeneDx Variant Classification Process June 2021. Collection method: clinical testing. Allele origin: germline. Affected: yes.

Illumina Laboratory Services, Illumina
Classification: Benign for Early-onset generalized limb-onset dystonia. Last evaluated: 2018-01-13. Review status: criteria provided, single submitter. Criteria: ICSL Variant Classification Criteria 13 December 2019. Collection method: clinical testing. Allele origin: germline.
Comment: This variant was observed in the ICSL laboratory as part of a predisposition screen in an ostensibly healthy population. It had not been previously curated by ICSL or reported in the Human Gene Mutation Database (HGMD: prior to June 1st, 2018), and was therefore a candidate for classification through an automated scoring system. Utilizing variant allele frequency, disease prevalence and penetrance estimates, and inheritance mode, an automated score was calculated to assess if this variant is too frequent to cause the disease. Based on the score and internal cut-off values, a variant classified as benign is not then subjected to further curation. The score for this variant resulted in a classification of benign for this disease.

Breakthrough Genomics
Classification: Benign. Review status: criteria provided, single submitter. Criteria: ACMG Guidelines, 2015. Collection method: not provided. Allele origin: germline. Inheritance: Autosomal recessive inheritance. Affected: yes.

NM_000113.3(TOR1A):c.*214C>G

Gene: TOR1A (torsin family 1 member A; minus strand). Cytogenetic location: 9q34.11.
Variant type: single nucleotide variant.
Coding change: c.*214C>G on transcript NM_000113.3 (MANE Select); 214 bases downstream of the stop codon, C replaced by G.
Molecular consequence: 3 prime UTR variant.
Genome position (GRCh38, 1-based): chr9:129,813,758, G>C on the plus strand (C>G on the coding strand, the complement: TOR1A is on the minus strand). VCF-style: chr9-129813758-G-C. GRCh37 (hg19) VCF-style: chr9-132576037-G-C.
Identifiers: ClinVar variation 365228 (VCV000365228.9), dbSNP rs1183, ClinGen allele CA10629122.